The following is an entry in ClinVar:

ClinVar aggregate classification (germline): Benign/Likely benign. Review status: criteria provided, multiple submitters, no conflicts (2 of 4 stars). 3 submissions from 3 submitters: Benign (1); Likely benign (1). 1 of the submissions does not count toward it. Last evaluated 2025-12-24.

Conditions:
VCAN-related disorder. Also called: VCAN-related condition.

Allele frequency attached by ClinVar (database versions not stated): gnomAD exomes 0.00010 and 0.00016; ExAC 0.00016; 1000 Genomes Project 0.00040; gnomAD 0.00066 and 0.00069; ESP Exome Variant Server 0.00077; TOPMed 0.00083.
gnomAD v4.1: 257 of 1,613,858 alleles (0.016%); highest among the groups gnomAD compares: African/African-American, 0.26%; 3 homozygotes.

Submissions (3):

Labcorp Genetics (formerly Invitae), Labcorp
Classification: Benign. Last evaluated: 2025-12-24. Review status: criteria provided, single submitter. Criteria: Invitae Variant Classification Sherloc (09022015). Collection method: clinical testing. Allele origin: germline.

Blueprint Genetics
Classification: Likely benign. Last evaluated: 2024-09-15. Review status: criteria provided, single submitter. Criteria: ACMG Guidelines, 2015. Collection method: clinical testing. Allele origin: germline.

PreventionGenetics, part of Exact Sciences
Classification: Likely benign for VCAN-related condition. Last evaluated: 2020-07-27. Review status: no assertion criteria provided. Collection method: clinical testing. Allele origin: germline. Not counted in ClinVar's aggregate classification.
Comment: This variant is classified as likely benign based on ACMG/AMP sequence variant interpretation guidelines (Richards et al. 2015 PMID: 25741868, with internal and published modifications).

NM_004385.5(VCAN):c.8067G>A (p.Thr2689=)

Genes: VCAN (versican; plus strand), VCAN-AS1 (VCAN antisense RNA 1; minus strand). Cytogenetic location: 5q14.3.
Variant type: single nucleotide variant.
Coding change: c.8067G>A on transcript NM_004385.5 (MANE Select); coding-DNA position 8067, G replaced by A.
Protein change: p.Thr2689=; no amino-acid change (threonine 2689 retained).
Molecular consequence: synonymous variant. On other transcripts: intron variant (2).
Genome position (GRCh38, 1-based): chr5:83,541,070, G>A. VCF-style: chr5-83541070-G-A. GRCh37 (hg19) VCF-style: chr5-82836889-G-A.
Other names: c.5106G>A, p.Thr1702= (NM_001164097.2); c.4004-4467G>A (NM_001164098.2); c.1043-4467G>A (NM_001126336.3); c.8067G>A (NM_004385.4).
Identifiers: ClinVar variation 1166534 (VCV001166534.12), dbSNP rs113287237, ClinGen allele CA3333742.